The following is an entry in ClinVar:

NM_018368.4(LMBRD1):c.848_851del (p.Glu283fs)

Gene: LMBRD1 (LMBR1 domain containing 1; minus strand). Cytogenetic location: 6q13.
Variant type: Microsatellite.
Coding change: c.848_851del on transcript NM_018368.4 (MANE Select); coding-DNA positions 848 to 851, 4 bases deleted (AGAG; older notation c.848_851delAGAG).
Protein change: p.Glu283fs; shifts the reading frame from glutamic acid 283.
Molecular consequence: frameshift variant.
Genome position (GRCh38, 1-based): chr6:69,713,709-69,713,712, CTCT deleted on the plus strand (AGAG on the coding strand, the reverse complement: LMBRD1 is on the minus strand); deleting any 4 consecutive bases within chr6:69,713,709-69,713,718 gives the same sequence; the c. name uses the placement nearest the transcript's 3' end. VCF-style (leftmost placement, unchanged base first): chr6-69713708-CCTCT-C. GRCh37 (hg19) VCF-style: chr6-70423600-CCTCT-C.
Other names: c.629_632del, p.Glu210fs (NM_001363722.2, NM_001367271.1, NM_001367272.1); short protein forms E210fs, E283fs.
Identifiers: ClinVar variation 2734911 (VCV002734911.3), dbSNP rs2481327951, ClinGen allele CA2695206745.
Genomic context (GRCh38, chr6:69,713,708, plus strand): 5'-CAGGGGACGCAGAGCGCCACAAAATTTTGTCCACCAGCTGTTTTCAATGAATTCTAAATG[CCTCT>C]CTCTCTTCTTAAGTGTTCGTAACCTTTCTTCAAATTGTTTTAAGGCGCGTTTATCCCTTG-3'

ClinVar aggregate classification (germline): Pathogenic (1 of 4 stars; one submission).

Conditions:
Methylmalonic aciduria and homocystinuria type cblF. Also called: COBALAMIN F DISEASE; COBALAMIN, DEFECT IN LYSOSOMAL RELEASE OF; METHYLMALONIC ACIDEMIA AND HOMOCYSTINURIA, cblF TYPE; METHYLMALONIC ACIDURIA DUE TO VITAMIN B12-RELEASE DEFECT; VITAMIN B12 LYSOSOMAL RELEASE DEFECT; VITAMIN B12 STORAGE DISEASE. Identifiers: Orphanet 79284, MedGen C1848578, MONDO:0010183, OMIM 277380.

Submission:

Labcorp Genetics (formerly Invitae), Labcorp
Classification: Pathogenic for Methylmalonic aciduria and homocystinuria type cblF. Last evaluated: 2023-09-29. Review status: criteria provided, single submitter. Criteria: Invitae Variant Classification Sherloc (09022015). Collection method: clinical testing. Allele origin: germline.
Comment: This sequence change creates a premature translational stop signal (p.Glu283Glyfs*3) in the LMBRD1 gene. It is expected to result in an absent or disrupted protein product. Loss-of-function variants in LMBRD1 are known to be pathogenic (PMID: 19136951, 21303734). This variant is not present in population databases (gnomAD no frequency). This variant has not been reported in the literature in individuals affected with LMBRD1-related conditions. For these reasons, this variant has been classified as Pathogenic.

Literature cited by the submitters: PubMed 19136951; PubMed 21303734.